The following is an entry in ClinVar:

ClinVar aggregate classification (germline): Uncertain significance (1 of 4 stars; one submission).

Submission:

Labcorp Genetics (formerly Invitae), Labcorp
Classification: Uncertain significance. Last evaluated: 2025-06-11. Review status: criteria provided, single submitter. Criteria: Invitae Variant Classification Sherloc (09022015). Collection method: clinical testing. Allele origin: germline.
Comment: This sequence change replaces threonine, which is neutral and polar, with lysine, which is basic and polar, at codon 41 of the MFAP5 protein (p.Thr41Lys). This variant is not present in population databases (gnomAD no frequency). This variant has not been reported in the literature in individuals affected with MFAP5-related conditions. An algorithm developed to predict the effect of missense changes on protein structure and function (PolyPhen-2) suggests that this variant is likely to be disruptive. In summary, the available evidence is currently insufficient to determine the role of this variant in disease. Therefore, it has been classified as a Variant of Uncertain Significance.

NM_003480.4(MFAP5):c.122C>A (p.Thr41Lys)

Gene: MFAP5 (microfibril associated protein 5; minus strand). Cytogenetic location: 12p13.31.
Variant type: single nucleotide variant.
Coding change: c.122C>A on transcript NM_003480.4 (MANE Select); coding-DNA position 122, C replaced by A.
Protein change: p.Thr41Lys; replaces threonine 41 with lysine.
Molecular consequence: missense variant. On other transcripts: non-coding transcript variant (2).
Genome position (GRCh38, 1-based): chr12:8,655,803, G>T on the plus strand (C>A on the coding strand, the complement: MFAP5 is on the minus strand). VCF-style: chr12-8655803-G-T. GRCh37 (hg19) VCF-style: chr12-8808399-G-T.
Other names: c.122C>A, p.Thr41Lys (NM_001297709.2, NM_001297711.2, NM_001297712.2); c.86C>A, p.Thr29Lys (NM_001297710.2); short protein forms T41K, T29K.
Identifiers: ClinVar variation 4721213 (VCV004721213.1).
Genomic context (GRCh38, chr12:8,655,803, plus strand): 5'-CAATAAAACAGCAAACAAACAAACAAACAAAAGTGTAGCTTACTAGGATCTTCTGTGAAT[G>T]TTTCTGGAGTCGCTTGAGTCACATCGTCTGAAAAGAAAATTAGAAAACAATTTCTGAGAT-3'
Protein context (NP_003471.1, residues 31-51): GDDVTQATPE[Thr41Lys]FTEDPNLVND